The following is an entry in ClinVar:

NM_001375567.1(FOCAD):c.2654G>A (p.Arg885His)

Gene: FOCAD (focadhesin; plus strand). Cytogenetic location: 9p21.3.
Variant type: single nucleotide variant.
Coding change: c.2654G>A on transcript NM_001375567.1 (MANE Select); coding-DNA position 2654, G replaced by A.
Protein change: p.Arg885His; replaces arginine 885 with histidine.
Molecular consequence: missense variant.
Genome position (GRCh38, 1-based): chr9:20,907,178, G>A. VCF-style: chr9-20907178-G-A. GRCh37 (hg19) VCF-style: chr9-20907177-G-A.
Other names: c.2549G>A, p.Arg850His (NM_001375568.1, NM_001375570.1); c.2654G>A, p.Arg885His (NM_017794.5); c.2654G>A (NM_017794.3); short protein forms R850H, R885H.
Identifiers: ClinVar variation 3054433 (VCV003054433.5), dbSNP rs199581066, ClinGen allele CA5007207.
Genomic context (GRCh38, chr9:20,907,178, plus strand): 5'-GCCTAATATGTTGTGGTACATTTTTCCCATAGGTTCATATCCAGCTTTCAGAGTGGCACC[G>A]TGCAATTTTTCTTCCACAGGCCTGGCTTGCATACATGAATCGAGCTTATCATGCCATTTT-3'
Protein context (NP_001362496.1, residues 875-895): EVHIQLSEWH[Arg885His]AIFLPQAWLA

ClinVar aggregate classification (germline): Uncertain significance. Review status: criteria provided, multiple submitters, no conflicts (2 of 4 stars). 3 submissions from 3 submitters: Uncertain significance (2). 1 of the submissions does not count toward it. Last evaluated 2025-10-15.

Conditions:
FOCAD-related disorder. Also called: FOCAD-related condition.
Inborn genetic diseases. Identifiers: MedGen C0950123, MeSH D030342.

Allele frequency attached by ClinVar (database versions not stated): ESP Exome Variant Server 0.00008; gnomAD exomes 0.00015; 1000 Genomes Project 0.00040; TOPMed 0.00008; ExAC 0.00007; gnomAD 0.00011; 1000 Genomes Project 30x 0.00031.
gnomAD v4.1: 236 of 1,613,034 alleles (0.015%); highest among the groups gnomAD compares: South Asian, 0.022%; no homozygotes.

Submissions (3):

Labcorp Genetics (formerly Invitae), Labcorp
Classification: Uncertain significance. Last evaluated: 2025-10-15. Review status: criteria provided, single submitter. Criteria: Invitae Variant Classification Sherloc (09022015). Collection method: clinical testing. Allele origin: germline.
Comment: This sequence change replaces arginine, which is basic and polar, with histidine, which is basic and polar, at codon 885 of the FOCAD protein (p.Arg885His). This variant is present in population databases (rs199581066, gnomAD 0.01%). This variant has not been reported in the literature in individuals affected with FOCAD-related conditions. ClinVar contains an entry for this variant (Variation ID: 3054433). Experimental studies and prediction algorithms are not available or were not evaluated, and the functional significance of this variant is currently unknown. In summary, the available evidence is currently insufficient to determine the role of this variant in disease. Therefore, it has been classified as a Variant of Uncertain Significance.

Ambry Genetics
Classification: Uncertain significance for Inborn genetic diseases. Last evaluated: 2024-06-07. Review status: criteria provided, single submitter. Criteria: Ambry Variant Classification Scheme 2023. Collection method: clinical testing. Allele origin: germline.

PreventionGenetics, part of Exact Sciences
Classification: Uncertain significance for FOCAD-related condition. Last evaluated: 2024-06-07. Review status: no assertion criteria provided. Collection method: clinical testing. Allele origin: germline. Not counted in ClinVar's aggregate classification.
Comment: The FOCAD c.2654G>A variant is predicted to result in the amino acid substitution p.Arg885His. To our knowledge, this variant has not been reported in the literature. This variant is reported in 0.013% of alleles in individuals of South Asian descent in gnomAD. At this time, the clinical significance of this variant is uncertain due to the absence of conclusive functional and genetic evidence.